The following is an entry in ClinVar:

NM_017668.3(NDE1):c.24C>A (p.Phe8Leu)

Gene: NDE1 (nudE neurodevelopment protein 1; plus strand). Cytogenetic location: 16p13.11.
Variant type: single nucleotide variant.
Coding change: c.24C>A on transcript NM_017668.3 (MANE Select); coding-DNA position 24, C replaced by A.
Protein change: p.Phe8Leu; replaces phenylalanine 8 with leucine.
Molecular consequence: missense variant.
Genome position (GRCh38, 1-based): chr16:15,664,802, C>A. VCF-style: chr16-15664802-C-A. GRCh37 (hg19) VCF-style: chr16-15758659-C-A.
Other names: c.24C>A, p.Phe8Leu (NM_001143979.2); short protein forms F8L.
Identifiers: ClinVar variation 1435317 (VCV001435317.8), dbSNP rs2151436089, ClinGen allele CA394846591.

ClinVar aggregate classification (germline): Uncertain significance (1 of 4 stars; one submission).

Submission:

Labcorp Genetics (formerly Invitae), Labcorp
Classification: Uncertain significance. Last evaluated: 2022-10-24. Review status: criteria provided, single submitter. Criteria: Invitae Variant Classification Sherloc (09022015). Collection method: clinical testing. Allele origin: germline.
Comment: This variant has not been reported in the literature in individuals affected with NDE1-related conditions. This variant is not present in population databases (gnomAD no frequency). This sequence change replaces phenylalanine, which is neutral and non-polar, with leucine, which is neutral and non-polar, at codon 8 of the NDE1 protein (p.Phe8Leu). ClinVar contains an entry for this variant (Variation ID: 1435317). In summary, the available evidence is currently insufficient to determine the role of this variant in disease. Therefore, it has been classified as a Variant of Uncertain Significance. Algorithms developed to predict the effect of missense changes on protein structure and function are either unavailable or do not agree on the potential impact of this missense change (SIFT: "Tolerated"; PolyPhen-2: "Probably Damaging"; Align-GVGD: "Class C0").